The following is an entry in ClinVar:

ClinVar aggregate classification (germline): Uncertain significance (1 of 4 stars; one submission).

Submission:

CeGaT Center for Human Genetics Tuebingen
Classification: Uncertain significance. Last evaluated: 2025-08-01. Review status: criteria provided, single submitter. Criteria: CeGaT Center For Human Genetics Tuebingen Variant Classification Criteria Version 2. Collection method: clinical testing. Allele origin: germline. Affected: yes. Observed: 2 variant alleles.
Comment: SON: PM2, PM4, BS2

NM_138927.4(SON):c.2868_2888del (p.Leu958_Arg964del)

Gene: SON (SON DNA and RNA binding protein; plus strand). Cytogenetic location: 21q22.11.
Variant type: Deletion.
Coding change: c.2868_2888del on transcript NM_138927.4 (MANE Select); coding-DNA positions 2868 to 2888, 21 bases deleted (CAGACTAACTCCTGATCCCTA).
Protein change: p.Leu958_Arg964del.
Molecular consequence: non-coding transcript variant (on NR_103797.2). On other transcripts: intron variant (1).
Genome position (GRCh38, 1-based): chr21:33,552,099-33,552,119, CAGACTAACTCCTGATCCCTA deleted; deleting any 21 consecutive bases within chr21:33,552,090-33,552,119 gives the same sequence; the c. name uses the placement nearest the transcript's 3' end. VCF-style (leftmost placement, unchanged base first): chr21-33552089-ATGATCCCTACAGACTAACTCC-A. GRCh37 (hg19) VCF-style: chr21-34924395-ATGATCCCTACAGACTAACTCC-A.
Other names: c.2868_2888del, p.Leu958_Arg964del (NM_001291411.2, NM_032195.3); c.245-5057_245-5037del (NM_001291412.3).
Identifiers: ClinVar variation 4085297 (VCV004085297.8).